The following is an entry in ClinVar:

NM_004304.5(ALK):c.4573A>G (p.Lys1525Glu)

Gene: ALK (ALK receptor tyrosine kinase; minus strand). Cytogenetic location: 2p23.2.
Variant type: single nucleotide variant.
Coding change: c.4573A>G on transcript NM_004304.5 (MANE Select); coding-DNA position 4573, A replaced by G.
Protein change: p.Lys1525Glu; replaces lysine 1525 with glutamic acid.
Molecular consequence: missense variant.
Genome position (GRCh38, 1-based): chr2:29,193,514, T>C on the plus strand (A>G on the coding strand, the complement: ALK is on the minus strand). VCF-style: chr2-29193514-T-C. GRCh37 (hg19) VCF-style: chr2-29416380-T-C.
Other names: c.1369A>G, p.Lys457Glu (NM_001353765.2); short protein forms K1525E, K457E.
Identifiers: ClinVar variation 133475 (VCV000133475.18), dbSNP rs139437088, ClinGen allele CA156641.
Genomic context (GRCh38, chr2:29,193,514, plus strand): 5'-CGTTAGGTGGGACAGTACAGCTTCCCTCCAGCCCCAGGTTACCCCTGTCGTGTGGCTCCT[T>C]CTTTGCTATAGGATTATTCTTTTTGGTGGGTTTCTCTGTAAACCAGGAGCCGTACGTTGG-3'
Protein context (NP_004295.2, residues 1515-1535): PTKKNNPIAK[Lys1525Glu]EPHDRGNLGL

ClinVar aggregate classification (germline): Benign/Likely benign. Review status: criteria provided, multiple submitters, no conflicts (2 of 4 stars). 6 submissions from 6 submitters: Benign (3); Likely benign (2). 1 of the submissions does not count toward it. Last evaluated 2026-02-04.

Conditions:
Hereditary cancer-predisposing syndrome. Also called: Tumor predisposition; Hereditary neoplastic syndrome; Neoplastic Syndromes, Hereditary; Hereditary Cancer Syndrome. Identifiers: Orphanet 140162, MedGen C0027672, MeSH D009386, MONDO:0015356.
Neuroblastoma, susceptibility to, 3. Also called: ALK-Related Neuroblastic Tumor Susceptibility. Identifiers: Orphanet 635, MedGen C2751681, MONDO:0013083, OMIM 613014.

Allele frequency attached by ClinVar (database versions not stated): gnomAD 0.00024 and 0.00032; gnomAD exomes 0.00026 and 0.00076; TOPMed 0.00041; ExAC 0.00072; 1000 Genomes Project 0.00100; 1000 Genomes Project 30x 0.00109.
gnomAD v4.1: 425 of 1,613,756 alleles (0.026%); highest among the groups gnomAD compares: East Asian, 0.85%; 1 homozygote.

Submissions (6):

Labcorp Genetics (formerly Invitae), Labcorp
Classification: Benign for Neuroblastoma, susceptibility to, 3. Last evaluated: 2026-02-04. Review status: criteria provided, single submitter. Criteria: Invitae Variant Classification Sherloc (09022015). Collection method: clinical testing. Allele origin: germline.

Laboratory of Genetics, Children's Clinical University Hospital Latvia
Classification: Likely benign. Last evaluated: 2025-02-16. Review status: criteria provided, single submitter. Criteria: ACMG Guidelines, 2015. Collection method: clinical testing. Allele origin: germline. Affected: yes.

Blueprint Genetics
Classification: Likely benign. Last evaluated: 2024-10-16. Review status: criteria provided, single submitter. Criteria: ACMG Guidelines, 2015. Collection method: clinical testing. Allele origin: germline.

Ambry Genetics
Classification: Benign for Hereditary cancer-predisposing syndrome. Last evaluated: 2024-06-26. Review status: criteria provided, single submitter. Criteria: Ambry Variant Classification Scheme 2023. Collection method: clinical testing. Allele origin: germline.

Illumina Laboratory Services, Illumina
Classification: Benign for Neuroblastoma, susceptibility to, 3. Last evaluated: 2018-01-13. Review status: criteria provided, single submitter. Criteria: ICSL Variant Classification Criteria 13 December 2019. Collection method: clinical testing. Allele origin: germline.
Comment: This variant was observed in the ICSL laboratory as part of a predisposition screen in an ostensibly healthy population. It had not been previously curated by ICSL or reported in the Human Gene Mutation Database (HGMD: prior to June 1st, 2018), and was therefore a candidate for classification through an automated scoring system. Utilizing variant allele frequency, disease prevalence and penetrance estimates, and inheritance mode, an automated score was calculated to assess if this variant is too frequent to cause the disease. Based on the score and internal cut-off values, a variant classified as benign is not then subjected to further curation. The score for this variant resulted in a classification of benign for this disease.

ITMI
No classification provided. Condition: AllHighlyPenetrant. Last evaluated: 2013-09-19. Review status: no classification provided. Collection method: reference population. Allele origin: germline. Not counted in ClinVar's aggregate classification.
Comment: Please see associated publication for description of ethnicities

Literature cited by the submitters: PubMed 22086496 (cited by Ambry Genetics); PubMed 24728327 (cited by ITMI).